The following is an entry in ClinVar:

NM_001184.4(ATR):c.6226C>G (p.Leu2076Val)

Gene: ATR (ATR checkpoint kinase; minus strand). Cytogenetic location: 3q23.
Variant type: single nucleotide variant.
Coding change: c.6226C>G on transcript NM_001184.4 (MANE Select); coding-DNA position 6226, C replaced by G.
Protein change: p.Leu2076Val; replaces leucine 2076 with valine.
Molecular consequence: missense variant.
Genome position (GRCh38, 1-based): chr3:142,470,179, G>C on the plus strand (C>G on the coding strand, the complement: ATR is on the minus strand). VCF-style: chr3-142470179-G-C. GRCh37 (hg19) VCF-style: chr3-142189021-G-C.
Other names: c.6034C>G, p.Leu2012Val (NM_001354579.2); short protein forms L2076V, L2012V.
Identifiers: ClinVar variation 343587 (VCV000343587.26), dbSNP rs372864251, ClinGen allele CA2649376.
Genomic context (GRCh38, chr3:142,470,179, plus strand): 5'-CAAGCCATAGAGTTAACATTCGTGGCATTGACTGATATATGAACTGATTTCCATATTGTA[G>C]AGATCTGCAATTATATAGACAAGAAACACTATTAGCATAGCTGTCATTTTTATATTATAC-3'
Protein context (NP_001175.2, residues 2066-2086): RYIVLHFGRS[Leu2076Val]QYGNQFIYQS

ClinVar aggregate classification (germline): Conflicting classifications of pathogenicity. Review status: criteria provided, conflicting classifications (1 of 4 stars). 3 submissions from 3 submitters: Uncertain significance (2); Likely benign (1). Last evaluated 2025-08-09.

Conditions:
Inborn genetic diseases. Identifiers: MedGen C0950123, MeSH D030342.
Seckel syndrome 1 (SCKL1). Also called: MICROCEPHALIC PRIMORDIAL DWARFISM I. Identifiers: Orphanet 808, MedGen C4551474, MONDO:0008869, OMIM 210600.

Allele frequency attached by ClinVar (database versions not stated): ESP Exome Variant Server 0.00008; gnomAD exomes 0.00013 and 0.00023; gnomAD 0.00014; TOPMed 0.00014; ExAC 0.00022.
gnomAD v4.1: 349 of 1,591,804 alleles (0.022%); highest among the groups gnomAD compares: Non-Finnish European, 0.029%; 1 homozygote.

Submissions (3):

Labcorp Genetics (formerly Invitae), Labcorp
Classification: Uncertain significance. Last evaluated: 2025-08-09. Review status: criteria provided, single submitter. Criteria: Invitae Variant Classification Sherloc (09022015). Collection method: clinical testing. Allele origin: germline.
Comment: This sequence change replaces leucine, which is neutral and non-polar, with valine, which is neutral and non-polar, at codon 2076 of the ATR protein (p.Leu2076Val). This variant is present in population databases (rs372864251, gnomAD 0.02%). This variant has not been reported in the literature in individuals affected with ATR-related conditions. ClinVar contains an entry for this variant (Variation ID: 343587). An algorithm developed to predict the effect of missense changes on protein structure and function (PolyPhen-2) suggests that this variant is likely to be disruptive. In summary, the available evidence is currently insufficient to determine the role of this variant in disease. Therefore, it has been classified as a Variant of Uncertain Significance.

Ambry Genetics
Classification: Likely benign for Inborn genetic diseases. Last evaluated: 2024-01-23. Review status: criteria provided, single submitter. Criteria: Ambry Variant Classification Scheme 2023. Collection method: clinical testing. Allele origin: germline.

Illumina Laboratory Services, Illumina
Classification: Uncertain significance for Seckel syndrome 1. Last evaluated: 2018-01-13. Review status: criteria provided, single submitter. Criteria: ICSL Variant Classification Criteria 13 December 2019. Collection method: clinical testing. Allele origin: germline.

Literature cited by the submitters: PubMed 28518168 (cited by Ambry Genetics); PubMed 32461654 (cited by Ambry Genetics).